The following is an entry in ClinVar:

ClinVar aggregate classification (germline): Likely pathogenic. Review status: criteria provided, multiple submitters, no conflicts (2 of 4 stars). 3 submissions from 3 submitters: Likely pathogenic (2). 1 of the submissions does not count toward it. Last evaluated 2024-04-15.

Conditions:
Biotinidase deficiency. Also called: BTD deficiency; Late-onset biotin-responsive multiple carboxylase deficiency; Biotin deficiency. Identifiers: Orphanet 79241, MedGen C0220754, MONDO:0009665, OMIM 253260.

gnomAD v4.1: 3 of 1,614,074 alleles (0.00019%); highest among the groups gnomAD compares: Non-Finnish European, 0.00017%; no homozygotes.

Submissions (3):

Labcorp Genetics (formerly Invitae), Labcorp
Classification: Likely pathogenic for Biotinidase deficiency. Last evaluated: 2024-04-15. Review status: criteria provided, single submitter. Criteria: Invitae Variant Classification Sherloc (09022015). Collection method: clinical testing. Allele origin: germline.
Comment: This sequence change replaces aspartic acid, which is acidic and polar, with tyrosine, which is neutral and polar, at codon 444 of the BTD protein (p.Asp444Tyr). This variant is present in population databases (no rsID available, gnomAD 0.007%). This missense change has been observed in individual(s) with biotinidase deficiency (PMID: 33312878). Advanced modeling of protein sequence and biophysical properties (such as structural, functional, and spatial information, amino acid conservation, physicochemical variation, residue mobility, and thermodynamic stability) performed at Invitae indicates that this missense variant is expected to disrupt BTD protein function with a positive predictive value of 95%. This variant disrupts the p.Asp444 amino acid residue in BTD. Other variant(s) that disrupt this residue have been determined to be pathogenic (PMID: 9654207, 10206677, 12227467, 23644139). This suggests that this residue is clinically significant, and that variants that disrupt this residue are likely to be disease-causing. In summary, the currently available evidence indicates that the variant is pathogenic, but additional data are needed to prove that conclusively. Therefore, this variant has been classified as Likely Pathogenic.

Fulgent Genetics
Classification: Likely pathogenic for Biotinidase deficiency. Last evaluated: 2024-01-05. Review status: criteria provided, single submitter. Criteria: ACMG Guidelines, 2015. Collection method: clinical testing. Allele origin: germline.

Natera, Inc.
Classification: Likely pathogenic for Biotinidase deficiency. Last evaluated: 2022-08-23. Review status: no assertion criteria provided. Collection method: clinical testing. Allele origin: germline. Not counted in ClinVar's aggregate classification.

Literature cited by the submitters: PubMed 33312878 (cited by Labcorp Genetics (formerly Invitae), Labcorp); PubMed 9654207 (cited by Labcorp Genetics (formerly Invitae), Labcorp); PubMed 10206677 (cited by Labcorp Genetics (formerly Invitae), Labcorp); PubMed 12227467 (cited by Labcorp Genetics (formerly Invitae), Labcorp); PubMed 23644139 (cited by Labcorp Genetics (formerly Invitae), Labcorp).

NM_001370658.1(BTD):c.1270G>T (p.Asp424Tyr)

Gene: BTD (biotinidase; plus strand). Cytogenetic location: 3p25.1.
Variant type: single nucleotide variant.
Coding change: c.1270G>T on transcript NM_001370658.1 (MANE Select); coding-DNA position 1270, G replaced by T.
Protein change: p.Asp424Tyr; replaces aspartic acid 424 with tyrosine.
Molecular consequence: missense variant. On other transcripts: intron variant (8).
Genome position (GRCh38, 1-based): chr3:15,645,186, G>T. VCF-style: chr3-15645186-G-T. GRCh37 (hg19) VCF-style: chr3-15686693-G-T.
Other names: c.1330G>T (NM_000060.4); c.1270G>T, p.Asp424Tyr (NM_001281723.4, NM_001281724.3, NM_001281725.3 and 16 more transcripts); c.1015+255G>T (NM_001370752.1, NM_001407379.1); c.399+3129G>T (NM_001370753.1, NM_001407400.1, NM_001407380.1 and 3 more transcripts); short protein forms D424Y.
Identifiers: ClinVar variation 3588707 (VCV003588707.4).